The following is an entry in ClinVar:

NM_004629.2(FANCG):c.1831G>C (p.Glu611Gln)

Gene: FANCG (FA complementation group G; minus strand). Cytogenetic location: 9p13.3.
Variant type: single nucleotide variant.
Coding change: c.1831G>C on transcript NM_004629.2 (MANE Select); coding-DNA position 1831, G replaced by C.
Protein change: p.Glu611Gln; replaces glutamic acid 611 with glutamine.
Molecular consequence: missense variant.
Genome position (GRCh38, 1-based): chr9:35,074,146, C>G on the plus strand (G>C on the coding strand, the complement: FANCG is on the minus strand). VCF-style: chr9-35074146-C-G. GRCh37 (hg19) VCF-style: chr9-35074143-C-G.
Other names: short protein forms E611Q.
Identifiers: ClinVar variation 3848419 (VCV003848419.1).

ClinVar aggregate classification (germline): Uncertain significance (1 of 4 stars; one submission).

Conditions:
Inborn genetic diseases. Identifiers: MedGen C0950123, MeSH D030342.

Submission:

Ambry Genetics
Classification: Uncertain significance for Inborn genetic diseases. Last evaluated: 2025-01-25. Review status: criteria provided, single submitter. Criteria: Ambry Variant Classification Scheme 2023. Collection method: clinical testing. Allele origin: germline.
Comment: The p.E611Q variant (also known as c.1831G>C), located in coding exon 14 of the FANCG gene, results from a G to C substitution at nucleotide position 1831. The glutamic acid at codon 611 is replaced by glutamine, an amino acid with highly similar properties. This amino acid position is conserved. In addition, this alteration is predicted to be tolerated by in silico analysis. Based on the available evidence, the clinical significance of this variant remains unclear.